The following is an entry in ClinVar:

ClinVar aggregate classification (germline): Uncertain significance. Review status: criteria provided, multiple submitters, no conflicts (2 of 4 stars). 2 submissions from 2 submitters: Uncertain significance (2). Last evaluated 2024-10-09.

Conditions:
Fanconi anemia complementation group J. Also called: BRIP1-Related Fanconi Anemia. Identifiers: Orphanet 84, MedGen C1836860, MONDO:0012187, OMIM 609054.
Familial cancer of breast. Also called: BREAST CANCER, FAMILIAL; Hereditary breast cancer; hereditary breast carcinoma. Identifiers: Orphanet 227535, MedGen C0346153, MONDO:0016419, OMIM 114480. Disease mechanism: loss of function.
Hereditary cancer-predisposing syndrome. Also called: Tumor predisposition; Neoplastic Syndromes, Hereditary; Hereditary Cancer Syndrome; Hereditary neoplastic syndrome. Identifiers: Orphanet 140162, MedGen C0027672, MeSH D009386, MONDO:0015356.

Submissions (2):

Labcorp Genetics (formerly Invitae), Labcorp
Classification: Uncertain significance for Familial cancer of breast; Fanconi anemia complementation group J. Last evaluated: 2024-10-09. Review status: criteria provided, single submitter. Criteria: Invitae Variant Classification Sherloc (09022015). Collection method: clinical testing. Allele origin: germline.
Comment: This sequence change replaces glutamine, which is neutral and polar, with leucine, which is neutral and non-polar, at codon 491 of the BRIP1 protein (p.Gln491Leu). This variant is not present in population databases (gnomAD no frequency). This variant has not been reported in the literature in individuals affected with BRIP1-related conditions. ClinVar contains an entry for this variant (Variation ID: 479483). Invitae Evidence Modeling of protein sequence and biophysical properties (such as structural, functional, and spatial information, amino acid conservation, physicochemical variation, residue mobility, and thermodynamic stability) indicates that this missense variant is not expected to disrupt BRIP1 protein function with a negative predictive value of 95%. In summary, the available evidence is currently insufficient to determine the role of this variant in disease. Therefore, it has been classified as a Variant of Uncertain Significance.

Ambry Genetics
Classification: Uncertain significance for Hereditary cancer-predisposing syndrome. Last evaluated: 2023-07-26. Review status: criteria provided, single submitter. Criteria: Ambry Variant Classification Scheme 2023. Collection method: clinical testing. Allele origin: germline.
Comment: The p.Q491L variant (also known as c.1472A>T), located in coding exon 9 of the BRIP1 gene, results from an A to T substitution at nucleotide position 1472. The glutamine at codon 491 is replaced by leucine, an amino acid with dissimilar properties. This amino acid position is well conserved in available vertebrate species. In addition, the in silico prediction for this alteration is inconclusive. Since supporting evidence is limited at this time, the clinical significance of this alteration remains unclear.

NM_032043.3(BRIP1):c.1472A>T (p.Gln491Leu)

Gene: BRIP1 (BRCA1 interacting DNA helicase 1; minus strand). Cytogenetic location: 17q23.2.
Variant type: single nucleotide variant.
Coding change: c.1472A>T on transcript NM_032043.3 (MANE Select); coding-DNA position 1472, A replaced by T.
Protein change: p.Gln491Leu; replaces glutamine 491 with leucine.
Molecular consequence: missense variant.
Genome position (GRCh38, 1-based): chr17:61,793,598, T>A on the plus strand (A>T on the coding strand, the complement: BRIP1 is on the minus strand). VCF-style: chr17-61793598-T-A. GRCh37 (hg19) VCF-style: chr17-59870959-T-A.
Other names: short protein forms Q491L.
Identifiers: ClinVar variation 479483 (VCV000479483.14), dbSNP rs1555605852, ClinGen allele CA400482030.